The following is an entry in ClinVar:

ClinVar aggregate classification (germline): Uncertain significance (1 of 4 stars; one submission).

Conditions:
Intellectual developmental disorder, X-linked 1. Also called: Atkin Flaitz Patil Smith syndrome; Intellectual disability, X-linked 1; MENTAL RETARDATION, X-LINKED 18; MENTAL RETARDATION, X-LINKED 78. Identifiers: Orphanet 777, MedGen C2931498, MONDO:0010656, OMIM 309530.

Submission:

Labcorp Genetics (formerly Invitae), Labcorp
Classification: Uncertain significance for Intellectual developmental disorder, X-linked 1. Last evaluated: 2024-10-22. Review status: criteria provided, single submitter. Criteria: Invitae Variant Classification Sherloc (09022015). Collection method: clinical testing. Allele origin: germline.
Comment: This sequence change replaces valine, which is neutral and non-polar, with isoleucine, which is neutral and non-polar, at codon 260 of the IQSEC2 protein (p.Val260Ile). This variant is not present in population databases (gnomAD no frequency). This variant has not been reported in the literature in individuals affected with IQSEC2-related conditions. ClinVar contains an entry for this variant (Variation ID: 1357312). Invitae Evidence Modeling of protein sequence and biophysical properties (such as structural, functional, and spatial information, amino acid conservation, physicochemical variation, residue mobility, and thermodynamic stability) indicates that this missense variant is not expected to disrupt IQSEC2 protein function with a negative predictive value of 95%. In summary, the available evidence is currently insufficient to determine the role of this variant in disease. Therefore, it has been classified as a Variant of Uncertain Significance.

NM_001111125.3(IQSEC2):c.778G>A (p.Val260Ile)

Gene: IQSEC2 (IQ motif and Sec7 domain ArfGEF 2; minus strand). Cytogenetic location: Xp11.22.
Variant type: single nucleotide variant.
Coding change: c.778G>A on transcript NM_001111125.3 (MANE Select); coding-DNA position 778, G replaced by A.
Protein change: p.Val260Ile; replaces valine 260 with isoleucine.
Molecular consequence: missense variant.
Genome position (GRCh38, 1-based): chrX:53,256,021, C>T on the plus strand (G>A on the coding strand, the complement: IQSEC2 is on the minus strand). VCF-style: chrX-53256021-C-T. GRCh37 (hg19) VCF-style: chrX-53285203-C-T.
Other names: c.163G>A, p.Val55Ile (NM_015075.2); short protein forms V260I, V55I.
Identifiers: ClinVar variation 1357312 (VCV001357312.8), dbSNP rs1556865162, ClinGen allele CA413172263.
Genomic context (GRCh38, chrX:53,256,021, plus strand): 5'-GGCTGCTGGAGGGGGGCAGCTGGCTCAGCCGGTAGGGGGGTTGGCTCCCAGGACTATCAA[C>T]CGCTGTGCTCAGGTCACTGCCTGGGGCATCACCCTCCACACTGTGGGGATGAGATAAGAT-3'
Protein context (NP_001104595.1, residues 250-270): DAPGSDLSTA[Val260Ile]DSPGSQPPYR